The following is an entry in ClinVar:

ClinVar aggregate classification (germline): Benign/Likely benign. Review status: criteria provided, multiple submitters, no conflicts (2 of 4 stars). 5 submissions from 5 submitters: Benign (2); Likely benign (3). Last evaluated 2026-01-12.

Conditions:
Episodic ataxia type 2 (EA2). Also called: ACETAZOLAMIDE-RESPONSIVE HEREDITARY PAROXYSMAL CEREBELLAR ATAXIA; ATAXIA, EPISODIC, WITH NYSTAGMUS; ATAXIA, FAMILIAL PAROXYSMAL; CEREBELLAR ATAXIA, PAROXYSMAL, ACETAZOLAMIDE-RESPONSIVE; CEREBELLOPATHY, HEREDITARY PAROXYSMAL; EPISODIC ATAXIA, NYSTAGMUS-ASSOCIATED. Identifiers: Orphanet 97, MedGen C1720416, MONDO:0007163, OMIM 108500.
Developmental and epileptic encephalopathy, 42 (DEE42A). Also called: Epileptic encephalopathy, early infantile, 42; DEVELOPMENTAL AND EPILEPTIC ENCEPHALOPATHY 42A; EPILEPTIC ENCEPHALOPATHY, EARLY INFANTILE, 42A. Identifiers: MedGen C4310716, MONDO:0014917, OMIM 617106.
Inborn genetic diseases. Identifiers: MedGen C0950123, MeSH D030342.

Allele frequency attached by ClinVar (database versions not stated): gnomAD exomes 0.00010 and 0.00012; ExAC 0.00011; TOPMed 0.00025; gnomAD 0.00027 and 0.00029; 1000 Genomes Project 30x 0.00031.
gnomAD v4.1: 182 of 1,606,928 alleles (0.011%); highest among the groups gnomAD compares: African/African-American, 0.077%; no homozygotes.

Submissions (5):

Labcorp Genetics (formerly Invitae), Labcorp
Classification: Likely benign for Developmental and epileptic encephalopathy, 42; Episodic ataxia type 2. Last evaluated: 2026-01-12. Review status: criteria provided, single submitter. Criteria: Invitae Variant Classification Sherloc (09022015). Collection method: clinical testing. Allele origin: germline.

Athena Diagnostics
Classification: Benign. Last evaluated: 2025-07-30. Review status: criteria provided, single submitter. Criteria: Athena Diagnostics Criteria. Collection method: clinical testing. Allele origin: unknown.
Comment: The frequency of this variant in the general population is higher than would generally be expected for pathogenic variants in this gene. Computational tools yielded predictions that this variant is unlikely to have an effect on normal RNA splicing.

Blueprint Genetics
Classification: Likely benign. Last evaluated: 2024-07-11. Review status: criteria provided, single submitter. Criteria: ACMG Guidelines, 2015. Collection method: clinical testing. Allele origin: germline.

GeneDx
Classification: Likely benign. Last evaluated: 2021-01-27. Review status: criteria provided, single submitter. Criteria: GeneDx Variant Classification Process June 2021. Collection method: clinical testing. Allele origin: germline. Affected: yes.

Ambry Genetics
Classification: Benign for Inborn genetic diseases. Last evaluated: 2020-06-12. Review status: criteria provided, single submitter. Criteria: Ambry Variant Classification Scheme 2023. Collection method: clinical testing. Allele origin: germline.

NM_001127222.2(CACNA1A):c.3117G>T (p.Val1039=)

Gene: CACNA1A (calcium voltage-gated channel subunit alpha1 A; minus strand). Cytogenetic location: 19p13.13.
Variant type: single nucleotide variant.
Coding change: c.3117G>T on transcript NM_001127222.2 (MANE Select); coding-DNA position 3117, G replaced by T.
Protein change: p.Val1039=; no amino-acid change (valine 1039 retained).
Molecular consequence: synonymous variant.
Genome position (GRCh38, 1-based): chr19:13,286,939, C>A on the plus strand (G>T on the coding strand, the complement: CACNA1A is on the minus strand). VCF-style: chr19-13286939-C-A. GRCh37 (hg19) VCF-style: chr19-13397753-C-A.
Other names: c.3129G>T, p.Val1043= (NM_000068.4, NM_023035.3); c.3120G>T, p.Val1040= (NM_001127221.2, NM_001174080.2); c.3120G>T (NM_000068.2).
Identifiers: ClinVar variation 384795 (VCV000384795.18), dbSNP rs745981005, ClinGen allele CA9240408.